The following is an entry in ClinVar:

NM_002206.3(ITGA7):c.2188G>C (p.Asp730His)

Genes: ITGA7 (integrin subunit alpha 7; minus strand), LOC126861535 (CDK7 strongly-dependent group 2 enhancer GRCh37_chr12:56087579-56088778; plus strand). Cytogenetic location: 12q13.2.
Variant type: single nucleotide variant.
Coding change: c.2188G>C on transcript NM_002206.3 (MANE Select); coding-DNA position 2188, G replaced by C.
Protein change: p.Asp730His; replaces aspartic acid 730 with histidine.
Molecular consequence: missense variant.
Genome position (GRCh38, 1-based): chr12:55,694,786, C>G on the plus strand (G>C on the coding strand, the complement: ITGA7 is on the minus strand). VCF-style: chr12-55694786-C-G. GRCh37 (hg19) VCF-style: chr12-56088570-C-G.
Other names: c.2200G>C, p.Asp734His (NM_001144996.2); c.1909G>C, p.Asp637His (NM_001144997.2); c.1861G>C, p.Asp621His (NM_001367993.1); c.844G>C, p.Asp282His (NM_001367994.1); c.2170G>C, p.Asp724His (NM_001374465.1); c.2320G>C, p.Asp774His (NM_001410977.1); c.2182G>C, p.Asp728His (NM_001414029.1); c.2113G>C, p.Asp705His (NM_001414030.1); and 4 more; short protein forms D282H, D724H, D730H, D621H, D734H, D637H, D774H, D617H.
Identifiers: ClinVar variation 855807 (VCV000855807.1), dbSNP rs1872270795, ClinGen allele CA385183681.

ClinVar aggregate classification (germline): Uncertain significance (1 of 4 stars; one submission).

Conditions:
Congenital muscular dystrophy due to integrin alpha-7 deficiency. Also called: MYOPATHY, CONGENITAL, DUE TO INTEGRIN ALPHA-7 DEFICIENCY; Congenital muscular dystrophy with integrin alpha-7 deficiency; Muscular dystrophy, congenital, due to ITGA7 deficiency. Identifiers: Orphanet 34520, MedGen C2750786, MONDO:0013177, OMIM 613204.

Submission:

Labcorp Genetics (formerly Invitae), Labcorp
Classification: Uncertain significance for Muscular dystrophy, congenital, due to integrin alpha-7 deficiency. Last evaluated: 2019-03-13. Review status: criteria provided, single submitter. Criteria: Invitae Variant Classification Sherloc (09022015). Collection method: clinical testing. Allele origin: germline.
Comment: This sequence change replaces aspartic acid with histidine at codon 730 of the ITGA7 protein (p.Asp730His). The aspartic acid residue is weakly conserved and there is a moderate physicochemical difference between aspartic acid and histidine. This variant is not present in population databases (ExAC no frequency). This variant has not been reported in the literature in individuals with ITGA7-related conditions. Algorithms developed to predict the effect of missense changes on protein structure and function are either unavailable or do not agree on the potential impact of this missense change (SIFT: "Deleterious"; PolyPhen-2: "Possibly Damaging"; Align-GVGD: "Class C0"). In summary, the available evidence is currently insufficient to determine the role of this variant in disease. Therefore, it has been classified as a Variant of Uncertain Significance.